The following is an entry in ClinVar:

NM_004415.4(DSP):c.1049A>C (p.Tyr350Ser)

Gene: DSP (desmoplakin; plus strand). Cytogenetic location: 6p24.3.
Variant type: single nucleotide variant.
Coding change: c.1049A>C on transcript NM_004415.4 (MANE Select); coding-DNA position 1049, A replaced by C.
Protein change: p.Tyr350Ser; replaces tyrosine 350 with serine.
Molecular consequence: missense variant.
Genome position (GRCh38, 1-based): chr6:7,567,358, A>C. VCF-style: chr6-7567358-A-C. GRCh37 (hg19) VCF-style: chr6-7567591-A-C.
Other names: c.1049A>C, p.Tyr350Ser (NM_001008844.3, NM_001319034.2, NM_001406591.1); short protein forms Y350S.
Identifiers: ClinVar variation 1776292 (VCV001776292.2), dbSNP rs1187569405, ClinGen allele CA362675457.

ClinVar aggregate classification (germline): Uncertain significance (1 of 4 stars; one submission).

Conditions:
Cardiovascular phenotype. Identifiers: MedGen CN230736.

Submission:

Ambry Genetics
Classification: Uncertain significance for Cardiovascular phenotype. Last evaluated: 2022-10-17. Review status: criteria provided, single submitter. Criteria: Ambry Variant Classification Scheme 2023. Collection method: clinical testing. Allele origin: germline.
Comment: The p.Y350S variant (also known as c.1049A>C), located in coding exon 9 of the DSP gene, results from an A to C substitution at nucleotide position 1049. The tyrosine at codon 350 is replaced by serine, an amino acid with dissimilar properties. This amino acid position is conserved. In addition, this alteration is predicted to be deleterious by in silico analysis. Since supporting evidence is limited at this time, the clinical significance of this alteration remains unclear.